The following is an entry in ClinVar:

NM_006885.4(ZFHX3):c.2047C>T (p.Gln683Ter)

Gene: ZFHX3 (zinc finger homeobox 3; minus strand). Cytogenetic location: 16q22.3.
Variant type: single nucleotide variant.
Coding change: c.2047C>T on transcript NM_006885.4 (MANE Select); coding-DNA position 2047, C replaced by T.
Protein change: p.Gln683Ter; replaces glutamine 683 with a stop codon.
Molecular consequence: nonsense. On other transcripts: intron variant (1).
Genome position (GRCh38, 1-based): chr16:72,958,099, G>A on the plus strand (C>T on the coding strand, the complement: ZFHX3 is on the minus strand). VCF-style: chr16-72958099-G-A. GRCh37 (hg19) VCF-style: chr16-72991998-G-A.
Other names: c.2047C>T, p.Gln683Ter (NM_001386735.1); c.-23-7134C>T (NM_001164766.2); short protein forms Q683*.
Identifiers: ClinVar variation 4756034 (VCV004756034.1).

ClinVar aggregate classification (germline): Likely pathogenic (1 of 4 stars; one submission).

Submission:

GeneDx
Classification: Likely pathogenic. Last evaluated: 2025-08-05. Review status: criteria provided, single submitter. Criteria: GeneDx Variant Classification Process June 2021. Collection method: clinical testing. Allele origin: germline. Affected: yes.
Comment: Nonsense variant predicted to result in protein truncation or nonsense mediated decay in a gene for which loss of function is a known mechanism of disease; Not observed at significant frequency in large population cohorts (gnomAD); Has not been previously published as pathogenic or benign to our knowledge